The following is an entry in ClinVar:

NM_015164.4(PLEKHM2):c.631G>A (p.Ala211Thr)

Gene: PLEKHM2 (pleckstrin homology and RUN domain containing M2; plus strand). Cytogenetic location: 1p36.21.
Variant type: single nucleotide variant.
Coding change: c.631G>A on transcript NM_015164.4 (MANE Select); coding-DNA position 631, G replaced by A.
Protein change: p.Ala211Thr; replaces alanine 211 with threonine.
Molecular consequence: missense variant.
Genome position (GRCh38, 1-based): chr1:15,719,899, G>A. VCF-style: chr1-15719899-G-A. GRCh37 (hg19) VCF-style: chr1-16046394-G-A.
Other names: short protein forms A211T.
Identifiers: ClinVar variation 478104 (VCV000478104.8), dbSNP rs751230545, ClinGen allele CA616730.

ClinVar aggregate classification (germline): Uncertain significance (1 of 4 stars; one submission).

Allele frequency attached by ClinVar (database versions not stated): ExAC 0.00002; gnomAD exomes 0.00002 and 0.00003; TOPMed 0.00003; gnomAD 0.00005.
gnomAD v4.1: 44 of 1,613,298 alleles (0.0027%); highest among the groups gnomAD compares: Non-Finnish European, 0.0036%; no homozygotes.

Submission:

Labcorp Genetics (formerly Invitae), Labcorp
Classification: Uncertain significance. Last evaluated: 2024-10-16. Review status: criteria provided, single submitter. Criteria: Invitae Variant Classification Sherloc (09022015). Collection method: clinical testing. Allele origin: germline.
Comment: This sequence change replaces alanine, which is neutral and non-polar, with threonine, which is neutral and polar, at codon 211 of the PLEKHM2 protein (p.Ala211Thr). This variant is present in population databases (rs751230545, gnomAD 0.004%). This variant has not been reported in the literature in individuals affected with PLEKHM2-related conditions. ClinVar contains an entry for this variant (Variation ID: 478104). An algorithm developed to predict the effect of missense changes on protein structure and function (PolyPhen-2) suggests that this variant is likely to be disruptive. In summary, the available evidence is currently insufficient to determine the role of this variant in disease. Therefore, it has been classified as a Variant of Uncertain Significance.